The following is an entry in ClinVar:

NM_004836.7(EIF2AK3):c.266del (p.Gly89fs)

Gene: EIF2AK3 (eukaryotic translation initiation factor 2 alpha kinase 3; minus strand). Cytogenetic location: 2p11.2.
Variant type: Deletion.
Coding change: c.266del on transcript NM_004836.7 (MANE Select); coding-DNA position 266, one base deleted (G; older notation c.266delG).
Protein change: p.Gly89fs; shifts the reading frame from glycine 89.
Molecular consequence: frameshift variant.
Genome position (GRCh38, 1-based): chr2:88,627,009, C deleted on the plus strand (G on the coding strand, the reverse complement: EIF2AK3 is on the minus strand); the first of 4 consecutive C bases (chr2:88,627,009-88,627,012); deleting any one gives the same sequence. VCF-style (leftmost placement, unchanged base first): chr2-88627008-AC-A. GRCh37 (hg19) VCF-style: chr2-88926526-AC-A.
Other names: short protein forms G89fs.
Identifiers: ClinVar variation 2840698 (VCV002840698.3), dbSNP rs2528308360, ClinGen allele CA2739271149.

ClinVar aggregate classification (germline): Pathogenic (1 of 4 stars; one submission).

Submission:

Labcorp Genetics (formerly Invitae), Labcorp
Classification: Pathogenic. Last evaluated: 2023-02-25. Review status: criteria provided, single submitter. Criteria: Invitae Variant Classification Sherloc (09022015). Collection method: clinical testing. Allele origin: germline.
Comment: This variant has not been reported in the literature in individuals affected with EIF2AK3-related conditions. For these reasons, this variant has been classified as Pathogenic. This sequence change creates a premature translational stop signal (p.Gly89Valfs*17) in the EIF2AK3 gene. It is expected to result in an absent or disrupted protein product. Loss-of-function variants in EIF2AK3 are known to be pathogenic (PMID: 11997520). This variant is not present in population databases (gnomAD no frequency).

Literature cited by the submitters: PubMed 11997520.